The following is an entry in ClinVar:

NM_024105.4(ALG12):c.631C>T (p.Arg211Cys)

Gene: ALG12 (ALG12 alpha-1,6-mannosyltransferase; minus strand). Cytogenetic location: 22q13.33.
Variant type: single nucleotide variant.
Coding change: c.631C>T on transcript NM_024105.4 (MANE Select); coding-DNA position 631, C replaced by T.
Protein change: p.Arg211Cys; replaces arginine 211 with cysteine.
Molecular consequence: missense variant.
Genome position (GRCh38, 1-based): chr22:49,909,927, G>A on the plus strand (C>T on the coding strand, the complement: ALG12 is on the minus strand). VCF-style: chr22-49909927-G-A. GRCh37 (hg19) VCF-style: chr22-50303575-G-A.
Other names: short protein forms R211C.
Identifiers: ClinVar variation 96097 (VCV000096097.26), dbSNP rs144665682, ClinGen allele CA149236.
Genomic context (GRCh38, chr22:49,909,927, plus strand): 5'-AGAAGCATCCCACAGTGACTGACTTACCTAAACAGAGGATCCCTGCCGGGACGGCGTGGC[G>A]AAGGGCTCTGACTACAGAAACCTTTCGGTTGCCCAAGGCCAGCAGCAGCAGGAGGCCCAG-3'
Protein context (NP_077010.1, residues 201-221): NRKVSVVRAL[Arg211Cys]HAVPAGILCL

ClinVar aggregate classification (germline): Benign/Likely benign. Review status: criteria provided, multiple submitters, no conflicts (2 of 4 stars). 8 submissions from 8 submitters: Benign (3); Likely benign (3). 2 of the submissions do not count toward it. Last evaluated 2026-01-29.

Conditions:
ALG12-congenital disorder of glycosylation (CDG1G). Also called: CDG Ig; Congenital disorder of glycosylation, type Ig; ALG12-CDG. Identifiers: Orphanet 79324, MedGen C2931001, MONDO:0011783, OMIM 607143.

Allele frequency attached by ClinVar (database versions not stated): gnomAD 0.00490 and 0.00623; TOPMed 0.00545; 1000 Genomes Project 30x 0.01593; 1000 Genomes Project 0.01657; ExAC 0.00948; ESP Exome Variant Server 0.00431; gnomAD exomes 0.00683 and 0.00904.

Submissions (8):

Labcorp Genetics (formerly Invitae), Labcorp
Classification: Benign for ALG12-congenital disorder of glycosylation. Last evaluated: 2026-01-29. Review status: criteria provided, single submitter. Criteria: Invitae Variant Classification Sherloc (09022015). Collection method: clinical testing. Allele origin: germline.

GeneDx
Classification: Likely benign. Last evaluated: 2022-02-12. Review status: criteria provided, single submitter. Criteria: GeneDx Variant Classification Process June 2021. Collection method: clinical testing. Allele origin: germline. Affected: yes.
Comment: See Variant Classification Assertion Criteria.

Illumina Laboratory Services, Illumina
Classification: Likely benign for ALG12-congenital disorder of glycosylation. Last evaluated: 2018-01-12. Review status: criteria provided, single submitter. Criteria: ICSL Variant Classification Criteria 13 December 2019. Collection method: clinical testing. Allele origin: germline.
Comment: This variant was observed in the ICSL laboratory as part of a predisposition screen in an ostensibly healthy population. It had not been previously curated by ICSL or reported in the Human Gene Mutation Database (HGMD: prior to June 1st, 2018), and was therefore a candidate for classification through an automated scoring system. Utilizing variant allele frequency, disease prevalence and penetrance estimates, and inheritance mode, an automated score was calculated to assess if this variant is too frequent to cause the disease. Based on the score and internal cut-off values, a variant classified as likely benign is not then subjected to further curation. The score for this variant resulted in a classification of likely benign for this disease.

Center for Pediatric Genomic Medicine, Children's Mercy Hospital and Clinics
Classification: Benign. Last evaluated: 2015-05-05. Review status: criteria provided, single submitter. Criteria: ACMG Guidelines, 2015. Collection method: clinical testing. Allele origin: germline.

Eurofins Ntd Llc (ga)
Classification: Benign. Last evaluated: 2013-07-30. Review status: criteria provided, single submitter. Criteria: EGL Classification Definitions 2015. Collection method: clinical testing. Allele origin: germline. Observed: 2 variant alleles, 2 heterozygotes.

Breakthrough Genomics
Classification: Likely benign. Review status: criteria provided, single submitter. Criteria: ACMG Guidelines, 2015. Collection method: not provided. Allele origin: germline. Inheritance: Autosomal recessive inheritance. Affected: yes.

Diagnostic Laboratory, Department of Genetics, University Medical Center Groningen
Classification: Likely benign. Review status: no assertion criteria provided. Collection method: clinical testing. Allele origin: germline. Affected: yes. Study: VKGL Data-share Consensus. Not counted in ClinVar's aggregate classification.

Laboratory of Diagnostic Genome Analysis, Leiden University Medical Center (LUMC)
Classification: Likely benign. Review status: no assertion criteria provided. Collection method: clinical testing. Allele origin: germline. Affected: yes. Study: VKGL Data-share Consensus. Not counted in ClinVar's aggregate classification.